The following is an entry in ClinVar:

ClinVar aggregate classification (germline): Pathogenic (1 of 4 stars; one submission).

Conditions:
Proximal 16p11.2 microdeletion syndrome. Also called: CHROMOSOME 16p11.2 DELETION SYNDROME, 593-KB; Chromosome 16p11.2 deletion syndrome; 16p11.2 Recurrent Deletion. Identifiers: Orphanet 261197, MedGen C3150154, MONDO:0012756, OMIM 611913.

Submission:

Department of Prenatal Diagnosis, Henan Provincial People’s Hospital
Classification: Pathogenic for Proximal 16p11.2 microdeletion syndrome. Last evaluated: 2026-11-25. Review status: criteria provided, single submitter. Criteria: ACMG/ClinGen CNV Guidelines, 2019. Collection method: research. Allele origin: germline. Affected: yes. Observed: 1 variant allele.
Comment: Based on the "ACMG/ClinGen CNV Guidelines" (2019, PMID: 31690835), this deletion encompasses the established haploinsufficiency genomic region-16p11.2 recurrent region (proximal, BP4-BP5) (includes TBX6)，which satisfies the criteria for Evidence Type 2A and is assigned a score of 1. As a result, the observed copy number deletion in this case achieves a cumulative score of ≥0.99, classifying it as a pathogenic copy number variant.

GRCh37/hg19 16p11.2(chr16:29673954-30190568)x1

Genes: ALDOA (aldolase, fructose-bisphosphate A; plus strand), ASPHD1 (aspartate beta-hydroxylase domain containing 1; plus strand), C16orf54 (chromosome 16 open reading frame 54; minus strand), CDIPT (CDP-diacylglycerol--inositol 3-phosphatidyltransferase; minus strand), DOC2A (double C2 domain alpha; minus strand) and 21 more. Cytogenetic location: 16p11.2.
Variant type: copy number loss.
Change: copy number 1 (one copy instead of two) of chr16:29,673,954-30,190,568 (516.6 kb, GRCh37 coordinates, 1-based), cytogenetic band 16p11.2.
Identifiers: ClinVar variation 5043572 (VCV005043572.1).